The following is an entry in ClinVar:

ClinVar aggregate classification (germline): Uncertain significance (1 of 4 stars; one submission).

Submission:

GeneDx
Classification: Uncertain significance. Last evaluated: 2025-10-30. Review status: criteria provided, single submitter. Criteria: GeneDx Variant Classification Process June 2021. Collection method: clinical testing. Allele origin: germline.
Comment: Not observed at significant frequency in large population cohorts (gnomAD); In silico analysis suggests that this missense variant does not alter protein structure/function; Has not been previously published as pathogenic or benign to our knowledge

NM_006950.3(SYN1):c.1693C>T (p.Arg565Cys)

Gene: SYN1 (synapsin I; minus strand). Cytogenetic location: Xp11.3.
Variant type: single nucleotide variant.
Coding change: c.1693C>T on transcript NM_006950.3 (MANE Select); coding-DNA position 1693, C replaced by T.
Protein change: p.Arg565Cys; replaces arginine 565 with cysteine.
Molecular consequence: missense variant.
Genome position (GRCh38, 1-based): chrX:47,574,291, G>A on the plus strand (C>T on the coding strand, the complement: SYN1 is on the minus strand). VCF-style: chrX-47574291-G-A. GRCh37 (hg19) VCF-style: chrX-47433690-G-A.
Other names: c.1693C>T, p.Arg565Cys (NM_133499.2); short protein forms R565C.
Identifiers: ClinVar variation 3361699 (VCV003361699.2).
Genomic context (GRCh38, chrX:47,574,291, plus strand): 5'-GCCCGCCCGGTGGGGCCCCAGAGGCCTTTGGCGGAGCCGGGCCAGAGACGGATGTCTGAC[G>A]GGTAGCCTGTGGGGGGCCCGCCTGGCGCTGGGGAGACGGAGAGGCGGGCGGGCGGGCTGC-3'
Protein context (NP_008881.2, residues 555-575): QRQAGPPQAT[Arg565Cys]QTSVSGPAPP